The following is an entry in ClinVar:

ClinVar aggregate classification (germline): Uncertain significance (1 of 4 stars; one submission).

Conditions:
Cardiovascular phenotype. Identifiers: MedGen CN230736.

Submission:

Ambry Genetics
Classification: Uncertain significance for Cardiovascular phenotype. Last evaluated: 2025-01-19. Review status: criteria provided, single submitter. Criteria: Ambry Variant Classification Scheme 2023. Collection method: clinical testing. Allele origin: germline.
Comment: The p.S3924P variant (also known as c.11770T>C), located in coding exon 2 of the ZNF469 gene, results from a T to C substitution at nucleotide position 11770. The serine at codon 3924 is replaced by proline, an amino acid with similar properties. This amino acid position is conserved. In addition, this alteration is predicted to be tolerated by in silico analysis. Based on the available evidence, the clinical significance of this variant remains unclear.

NM_001367624.2(ZNF469):c.11854T>C (p.Ser3952Pro)

Gene: ZNF469 (zinc finger protein 469; plus strand). Cytogenetic location: 16q24.2.
Variant type: single nucleotide variant.
Coding change: c.11854T>C on transcript NM_001367624.2 (MANE Select); coding-DNA position 11854, T replaced by C.
Protein change: p.Ser3952Pro; replaces serine 3952 with proline.
Molecular consequence: missense variant.
Genome position (GRCh38, 1-based): chr16:88,439,324, T>C. VCF-style: chr16-88439324-T-C. GRCh37 (hg19) VCF-style: chr16-88505732-T-C.
Other names: NM_001127464.1:c.11770T>C; short protein forms S3952P.
Identifiers: ClinVar variation 3821119 (VCV003821119.1).
Genomic context (GRCh38, chr16:88,439,324, plus strand): 5'-CTCAGCCAGCTCTTCGGGCAGAGACTAACTGGCTTCAAAATCCCTTTAAAGAAAGATGCT[T>C]CCGAGTAATTTCTAGGAGCAAGAGCCTGGGACCGGAGCTGGGCGTTCCTGTCTCGGCCTG-3'
Protein context (NP_001354553.1, residues 3942-3953): GFKIPLKKDA[Ser3952Pro]E